The following is an entry in ClinVar:

ClinVar aggregate classification (germline): Uncertain significance (1 of 4 stars; one submission).

Submission:

GeneDx
Classification: Uncertain significance. Last evaluated: 2021-07-02. Review status: criteria provided, single submitter. Criteria: GeneDx Variant Classification Process June 2021. Collection method: clinical testing. Allele origin: germline. Affected: yes.
Comment: Has not been previously published as pathogenic or benign to our knowledge; In-silico analysis, which includes splice predictors and evolutionary conservation, is inconclusive as to whether the variant alters gene splicing. In the absence of RNA/functional studies, the actual effect of this sequence change is unknown.; Not observed at significant frequency in large population cohorts (Lek et al., 2016); This variant is associated with the following publications: (PMID: 27535533)

NM_001127222.2(CACNA1A):c.165A>G (p.Arg55=)

Gene: CACNA1A (calcium voltage-gated channel subunit alpha1 A; minus strand). Cytogenetic location: 19p13.13.
Variant type: single nucleotide variant.
Coding change: c.165A>G on transcript NM_001127222.2 (MANE Select); coding-DNA position 165, A replaced by G.
Protein change: p.Arg55=; no amino-acid change (arginine 55 retained).
Molecular consequence: synonymous variant.
Genome position (GRCh38, 1-based): chr19:13,506,060, T>C on the plus strand (A>G on the coding strand, the complement: CACNA1A is on the minus strand). VCF-style: chr19-13506060-T-C. GRCh37 (hg19) VCF-style: chr19-13616874-T-C.
Other names: c.165A>G, p.Arg55= (NM_001127221.2, NM_001174080.2, NM_023035.3 and 1 more transcripts).
Identifiers: ClinVar variation 1331329 (VCV001331329.2), dbSNP rs2145192452, ClinGen allele CA505802685.